The following is an entry in ClinVar:

NM_000346.4(SOX9):c.704C>T (p.Pro235Leu)

Gene: SOX9 (SRY-box transcription factor 9; plus strand). Cytogenetic location: 17q24.3.
Variant type: single nucleotide variant.
Coding change: c.704C>T on transcript NM_000346.4 (MANE Select); coding-DNA position 704, C replaced by T.
Protein change: p.Pro235Leu; replaces proline 235 with leucine.
Molecular consequence: missense variant.
Genome position (GRCh38, 1-based): chr17:72,123,561, C>T. VCF-style: chr17-72123561-C-T. GRCh37 (hg19) VCF-style: chr17-70119702-C-T.
Other names: short protein forms P235L.
Identifiers: ClinVar variation 1370228 (VCV001370228.8), dbSNP rs984877127, ClinGen allele CA400866875.

ClinVar aggregate classification (germline): Uncertain significance (1 of 4 stars; one submission).

Conditions:
Camptomelic dysplasia (CMPD). Also called: Campomelic Dysplasia; CMPD1/SRA1. Identifiers: Orphanet 140, MedGen C1861922, MONDO:0007251, OMIM 114290.

Submission:

Labcorp Genetics (formerly Invitae), Labcorp
Classification: Uncertain significance for Camptomelic dysplasia. Last evaluated: 2022-11-08. Review status: criteria provided, single submitter. Criteria: Invitae Variant Classification Sherloc (09022015). Collection method: clinical testing. Allele origin: germline.
Comment: In summary, the available evidence is currently insufficient to determine the role of this variant in disease. Therefore, it has been classified as a Variant of Uncertain Significance. Advanced modeling of protein sequence and biophysical properties (such as structural, functional, and spatial information, amino acid conservation, physicochemical variation, residue mobility, and thermodynamic stability) performed at Invitae indicates that this missense variant is not expected to disrupt SOX9 protein function. ClinVar contains an entry for this variant (Variation ID: 1370228). This variant has not been reported in the literature in individuals affected with SOX9-related conditions. This variant is not present in population databases (gnomAD no frequency). This sequence change replaces proline, which is neutral and non-polar, with leucine, which is neutral and non-polar, at codon 235 of the SOX9 protein (p.Pro235Leu).